The following is an entry in ClinVar:

NM_001378454.1(ALMS1):c.7034G>A (p.Arg2345Gln)

Gene: ALMS1 (ALMS1 centrosome and basal body associated protein; plus strand). Cytogenetic location: 2p13.1.
Variant type: single nucleotide variant.
Coding change: c.7034G>A on transcript NM_001378454.1 (MANE Select); coding-DNA position 7034, G replaced by A.
Protein change: p.Arg2345Gln; replaces arginine 2345 with glutamine.
Molecular consequence: missense variant.
Genome position (GRCh38, 1-based): chr2:73,453,561, G>A. VCF-style: chr2-73453561-G-A. GRCh37 (hg19) VCF-style: chr2-73680688-G-A.
Other names: c.7037G>A, p.Arg2346Gln (NM_015120.4); short protein forms R2345Q, R2346Q.
Identifiers: ClinVar variation 4538109 (VCV004538109.2).

ClinVar aggregate classification (germline): Uncertain significance (1 of 4 stars; one submission).

gnomAD v4.1: 16 of 1,613,670 alleles (0.00099%); highest among the groups gnomAD compares: South Asian, 0.0088%; no homozygotes.

Submission:

GeneDx
Classification: Uncertain significance. Last evaluated: 2026-06-26. Review status: criteria provided, single submitter. Criteria: GeneDx Variant Classification Process June 2021. Collection method: clinical testing. Allele origin: germline.
Comment: Not observed at significant frequency in large population cohorts (gnomAD); In silico analysis suggests that this missense variant does not alter protein structure/function; Has not been previously published as pathogenic or benign to our knowledge